The following is an entry in ClinVar:

ClinVar aggregate classification (germline): Likely benign (1 of 4 stars; one submission).

Allele frequency attached by ClinVar (database versions not stated): ExAC 0.00050; gnomAD exomes 0.00058; ESP Exome Variant Server 0.00077; TOPMed 0.00029; gnomAD 0.00042.
gnomAD v4.1: 928 of 1,613,068 alleles (0.058%); highest among the groups gnomAD compares: South Asian, 0.13%; 1 homozygote.

Submission:

CeGaT Center for Human Genetics Tuebingen
Classification: Likely benign. Last evaluated: 2022-07-01. Review status: criteria provided, single submitter. Criteria: CeGaT Center For Human Genetics Tuebingen Variant Classification Criteria Version 2. Collection method: clinical testing. Allele origin: germline. Affected: yes. Observed: 1 variant allele.
Comment: BSN: BP4, BP7

NM_003458.4(BSN):c.1065G>A (p.Ala355=)

Gene: BSN (bassoon presynaptic cytomatrix protein; plus strand). Cytogenetic location: 3p21.31.
Variant type: single nucleotide variant.
Coding change: c.1065G>A on transcript NM_003458.4 (MANE Select); coding-DNA position 1065, G replaced by A.
Protein change: p.Ala355=; no amino-acid change (alanine 355 retained).
Molecular consequence: synonymous variant.
Genome position (GRCh38, 1-based): chr3:49,642,699, G>A. VCF-style: chr3-49642699-G-A. GRCh37 (hg19) VCF-style: chr3-49680132-G-A.
Identifiers: ClinVar variation 2653832 (VCV002653832.24), dbSNP rs143449665, ClinGen allele CA2399521.